The following is an entry in ClinVar:

NM_006269.2(RP1):c.5433C>G (p.Pro1811=)

Genes: RP1 (RP1 axonemal microtubule associated; plus strand), LOC126860392 (CDK7 strongly-dependent group 2 enhancer GRCh37_chr8:55541319-55542518; plus strand). Cytogenetic location: 8q12.1.
Variant type: single nucleotide variant.
Coding change: c.5433C>G on transcript NM_006269.2 (MANE Select); coding-DNA position 5433, C replaced by G.
Protein change: p.Pro1811=; no amino-acid change (proline 1811 retained).
Molecular consequence: synonymous variant. On other transcripts: intron variant (1).
Genome position (GRCh38, 1-based): chr8:54,629,315, C>G. VCF-style: chr8-54629315-C-G. GRCh37 (hg19) VCF-style: chr8-55541875-C-G.
Other names: c.787+7027C>G (NM_001375654.1).
Identifiers: ClinVar variation 733905 (VCV000733905.11), dbSNP rs148213594, ClinGen allele CA4752072.

ClinVar aggregate classification (germline): Likely benign. Review status: criteria provided, multiple submitters, no conflicts (2 of 4 stars). 3 submissions from 3 submitters: Likely benign (3). Last evaluated 2025-06-04.

Conditions:
RP1-related disorder. Also called: RP1-related condition.

Allele frequency attached by ClinVar (database versions not stated): gnomAD exomes 0.00004; ExAC 0.00006; gnomAD 0.00015 and 0.00019; TOPMed 0.00017; ESP Exome Variant Server 0.00031.
gnomAD v4.1: 40 of 1,613,844 alleles (0.0025%); highest among the groups gnomAD compares: African/African-American, 0.047%; no homozygotes.

Submissions (3):

Labcorp Genetics (formerly Invitae), Labcorp
Classification: Likely benign. Last evaluated: 2025-06-04. Review status: criteria provided, single submitter. Criteria: Invitae Variant Classification Sherloc (09022015). Collection method: clinical testing. Allele origin: germline.

PreventionGenetics, part of Exact Sciences
Classification: Likely benign for RP1-related condition. Last evaluated: 2024-11-09. Review status: criteria provided, single submitter. Criteria: ACMG Guidelines, 2015. Collection method: clinical testing. Allele origin: germline.
Comment: This variant is classified as likely benign based on ACMG/AMP sequence variant interpretation guidelines (Richards et al. 2015 PMID: 25741868, with internal and published modifications).

Blueprint Genetics
Classification: Likely benign. Last evaluated: 2024-02-19. Review status: criteria provided, single submitter. Criteria: ACMG Guidelines, 2015. Collection method: clinical testing. Allele origin: germline.